The following is an entry in ClinVar:

NM_002693.3(POLG):c.2833C>G (p.His945Asp)

Gene: POLG (DNA polymerase gamma, catalytic subunit; minus strand). Cytogenetic location: 15q26.1.
Variant type: single nucleotide variant.
Coding change: c.2833C>G on transcript NM_002693.3 (MANE Select); coding-DNA position 2833, C replaced by G.
Protein change: p.His945Asp; replaces histidine 945 with aspartic acid.
Molecular consequence: missense variant.
Genome position (GRCh38, 1-based): chr15:89,320,914, G>C on the plus strand (C>G on the coding strand, the complement: POLG is on the minus strand). VCF-style: chr15-89320914-G-C. GRCh37 (hg19) VCF-style: chr15-89864145-G-C.
Other names: c.2833C>G, p.His945Asp (NM_001126131.2); short protein forms H945D.
Identifiers: ClinVar variation 5020896 (VCV005020896.1).

ClinVar aggregate classification (germline): Uncertain significance (1 of 4 stars; one submission).

gnomAD v4.1: 1 of 1,613,954 alleles (0.000062%); highest among the groups gnomAD compares: South Asian, 0.0011%; no homozygotes.

Submission:

Dasa
Classification: Uncertain significance. Last evaluated: 2025-08-07. Review status: criteria provided, single submitter. Criteria: DASA Assertion Criteria. Collection method: clinical testing. Allele origin: germline.
Comment: NM_002693.3(POLG):c.2833C>G (p.His945Asp) is a missense variant that results in the substitution of histidine with aspartic acid. This variant is rare in population databases. Computational prediction algorithms are consistent with a deleterious effect. The currently available literature and clinical evidence are not sufficient to establish a definitive association between this variant and the reported condition. Therefore, this variant is classified as a variant of uncertain significance.